The following is an entry in ClinVar:

NM_007294.4(BRCA1):c.2369C>T (p.Thr790Ile)

Gene: BRCA1 (BRCA1 DNA repair associated; minus strand). Cytogenetic location: 17q21.31.
Variant type: single nucleotide variant.
Coding change: c.2369C>T on transcript NM_007294.4 (MANE Select); coding-DNA position 2369, C replaced by T.
Protein change: p.Thr790Ile; replaces threonine 790 with isoleucine.
Molecular consequence: missense variant. On other transcripts: intron variant (137).
Genome position (GRCh38, 1-based): chr17:43,093,162, G>A on the plus strand (C>T on the coding strand, the complement: BRCA1 is on the minus strand). VCF-style: chr17-43093162-G-A. GRCh37 (hg19) VCF-style: chr17-41245179-G-A.
Other names: c.583+1582C>T (NM_001408475.1); c.548-2130C>T (NM_001408494.1); c.545-2130C>T (NM_001408495.1); c.2366C>T, p.Thr789Ile (NM_001407637.1, NM_001407638.1, NM_001407610.1 and 22 more transcripts); c.2369C>T, p.Thr790Ile (NM_001407639.1, NM_001407640.1, NM_001407641.1 and 30 more transcripts); c.664+1582C>T (NM_001408429.1, NM_001408442.1, NM_001408426.1 and 12 more transcripts); c.787+1582C>T (NM_001407979.1, NM_001407977.1, NM_001407982.1 and 17 more transcripts); c.646+1582C>T (NM_001408410.1, NM_001408458.1, NM_001408469.1 and 11 more transcripts); and 41 more; short protein forms T494I, T622I, T662I, T663I, T678I, T679I, T701I, T702I.
Identifiers: ClinVar variation 4856569 (VCV004856569.1).

ClinVar aggregate classification (germline): Likely benign (1 of 4 stars; one submission).

Conditions:
Breast-ovarian cancer, familial, susceptibility to, 1 (BROVCA1). Also called: OVARIAN CANCER, SUSCEPTIBILITY TO; BRCA1 Hereditary Breast and Ovarian Cancer. Identifiers: Orphanet 145, MedGen C2676676, MONDO:0011450, OMIM 604370. Disease mechanism: loss of function.

gnomAD v4.1: 1 of 1,613,768 alleles (0.000062%); highest among the groups gnomAD compares: Non-Finnish European, 0.000085%; no homozygotes.

Submission:

Cancer Bioinformatics and Tumour Evolution Laboratory, Monash University
Classification: Likely benign for Breast-ovarian cancer, familial, susceptibility to, 1. Last evaluated: 2026-05-01. Review status: criteria provided, single submitter. Criteria: ClinGen BRCA1 and BRCA2 Guidelines, 2024. Collection method: curation. Allele origin: germline. Inheritance: Autosomal dominant inheritance.
Comment: Missense variant outside of a functional domain with no splice impact. BRCA1 and BRCA2 VCEP guidelines recommend application of BP1_Strong (PMID: 39142283)